The following is an entry in ClinVar:

NM_004281.4(BAG3):c.711G>C (p.Gln237His)

Gene: BAG3 (BAG cochaperone 3; plus strand). Cytogenetic location: 10q26.11.
Variant type: single nucleotide variant.
Coding change: c.711G>C on transcript NM_004281.4 (MANE Select); coding-DNA position 711, G replaced by C.
Protein change: p.Gln237His; replaces glutamine 237 with histidine.
Molecular consequence: missense variant.
Genome position (GRCh38, 1-based): chr10:119,672,458, G>C. VCF-style: chr10-119672458-G-C. GRCh37 (hg19) VCF-style: chr10-121431970-G-C.
Other names: c.711G>C (NM_004281.3); short protein forms Q237H.
Identifiers: ClinVar variation 1419619 (VCV001419619.7), dbSNP rs369377620, ClinGen allele CA378295639.

ClinVar aggregate classification (germline): Uncertain significance. Review status: criteria provided, multiple submitters, no conflicts (2 of 4 stars). 2 submissions from 2 submitters: Uncertain significance (2). Last evaluated 2025-01-31.

Conditions:
Myofibrillar myopathy 6. Identifiers: Orphanet 199340, MedGen C2751831, MONDO:0013061, OMIM 612954.
Dilated cardiomyopathy 1HH (CMD1HH). Identifiers: Orphanet 154, MedGen C3151293, MONDO:0013479, OMIM 613881.
Cardiovascular phenotype. Identifiers: MedGen CN230736.

Allele frequency attached by ClinVar (database versions not stated): gnomAD exomes below 0.00001.
gnomAD v4.1: 1 of 1,614,228 alleles (0.000062%); highest among the groups gnomAD compares: Non-Finnish European, 0.000085%; no homozygotes.

Submissions (2):

Ambry Genetics
Classification: Uncertain significance for Cardiovascular phenotype. Last evaluated: 2025-01-31. Review status: criteria provided, single submitter. Criteria: Ambry Variant Classification Scheme 2023. Collection method: clinical testing. Allele origin: germline.
Comment: The p.Q237H variant (also known as c.711G>C), located in coding exon 3 of the BAG3 gene, results from a G to C substitution at nucleotide position 711. The glutamine at codon 237 is replaced by histidine, an amino acid with highly similar properties. This amino acid position is conserved. In addition, the in silico prediction for this alteration is inconclusive. Based on the available evidence, the clinical significance of this variant remains unclear.

Labcorp Genetics (formerly Invitae), Labcorp
Classification: Uncertain significance for Dilated cardiomyopathy 1HH; Myofibrillar myopathy 6. Last evaluated: 2024-10-16. Review status: criteria provided, single submitter. Criteria: Invitae Variant Classification Sherloc (09022015). Collection method: clinical testing. Allele origin: germline.
Comment: This sequence change replaces glutamine, which is neutral and polar, with histidine, which is basic and polar, at codon 237 of the BAG3 protein (p.Gln237His). This variant is present in population databases (no rsID available, gnomAD 0.0009%). This variant has not been reported in the literature in individuals affected with BAG3-related conditions. ClinVar contains an entry for this variant (Variation ID: 1419619). Invitae Evidence Modeling of protein sequence and biophysical properties (such as structural, functional, and spatial information, amino acid conservation, physicochemical variation, residue mobility, and thermodynamic stability) indicates that this missense variant is not expected to disrupt BAG3 protein function with a negative predictive value of 80%. In summary, the available evidence is currently insufficient to determine the role of this variant in disease. Therefore, it has been classified as a Variant of Uncertain Significance.